The following is an entry in ClinVar:

NM_000390.4(CHM):c.283A>G (p.Ile95Val)

Gene: CHM (CHM Rab escort protein; minus strand). Cytogenetic location: Xq21.2.
Variant type: single nucleotide variant.
Coding change: c.283A>G on transcript NM_000390.4 (MANE Select); coding-DNA position 283, A replaced by G.
Protein change: p.Ile95Val; replaces isoleucine 95 with valine.
Molecular consequence: missense variant. On other transcripts: 5 prime UTR variant (4).
Genome position (GRCh38, 1-based): chrX:85,978,798, T>C on the plus strand (A>G on the coding strand, the complement: CHM is on the minus strand). VCF-style: chrX-85978798-T-C. GRCh37 (hg19) VCF-style: chrX-85233802-T-C.
Other names: c.283A>G, p.Ile95Val (NM_001145414.4); c.-162A>G (NM_001320959.1, NM_001362517.1); c.-158A>G (NM_001362518.2, NM_001362519.1); short protein forms I95V.
Identifiers: ClinVar variation 2917500 (VCV002917500.3), dbSNP rs2520318193, ClinGen allele CA413787838.

ClinVar aggregate classification (germline): Uncertain significance (1 of 4 stars; one submission).

Allele frequency attached by ClinVar (database versions not stated): gnomAD exomes below 0.00001.
gnomAD v4.1: 2 of 1,206,418 alleles (0.00017%); highest among the groups gnomAD compares: African/African-American, 0.0035%; no homozygotes.

Submission:

Labcorp Genetics (formerly Invitae), Labcorp
Classification: Uncertain significance. Last evaluated: 2025-03-17. Review status: criteria provided, single submitter. Criteria: Invitae Variant Classification Sherloc (09022015). Collection method: clinical testing. Allele origin: germline.
Comment: This sequence change replaces isoleucine, which is neutral and non-polar, with valine, which is neutral and non-polar, at codon 95 of the CHM protein (p.Ile95Val). This variant is not present in population databases (gnomAD no frequency). This variant has not been reported in the literature in individuals affected with CHM-related conditions. ClinVar contains an entry for this variant (Variation ID: 2917500). Invitae Evidence Modeling of protein sequence and biophysical properties (such as structural, functional, and spatial information, amino acid conservation, physicochemical variation, residue mobility, and thermodynamic stability) indicates that this missense variant is not expected to disrupt CHM protein function with a negative predictive value of 80%. In summary, the available evidence is currently insufficient to determine the role of this variant in disease. Therefore, it has been classified as a Variant of Uncertain Significance.